The following is an entry in ClinVar:

NM_002860.4(ALDH18A1):c.325G>T (p.Gly109Cys)

Gene: ALDH18A1 (aldehyde dehydrogenase 18 family member A1; minus strand). Cytogenetic location: 10q24.1.
Variant type: single nucleotide variant.
Coding change: c.325G>T on transcript NM_002860.4 (MANE Select); coding-DNA position 325, G replaced by T.
Protein change: p.Gly109Cys; replaces glycine 109 with cysteine.
Molecular consequence: missense variant. On other transcripts: 5 prime UTR variant (3), intron variant (1).
Genome position (GRCh38, 1-based): chr10:95,637,415, C>A on the plus strand (G>T on the coding strand, the complement: ALDH18A1 is on the minus strand). VCF-style: chr10-95637415-C-A. GRCh37 (hg19) VCF-style: chr10-97397172-C-A.
Other names: c.325G>T, p.Gly109Cys (NM_001017423.2, NM_001323413.2, NM_001323414.2 and 2 more transcripts); c.-9G>T (NM_001323412.2, NM_001323416.2, NM_001323418.2); c.-78-3766G>T (NM_001323419.2); short protein forms G109C.
Identifiers: ClinVar variation 2640719 (VCV002640719.24), dbSNP rs2526900240, ClinGen allele CA377706872.

ClinVar aggregate classification (germline): Uncertain significance (1 of 4 stars; one submission).

Submission:

CeGaT Center for Human Genetics Tuebingen
Classification: Uncertain significance. Last evaluated: 2022-11-01. Review status: criteria provided, single submitter. Criteria: CeGaT Center For Human Genetics Tuebingen Variant Classification Criteria Version 2. Collection method: clinical testing. Allele origin: germline. Affected: yes. Observed: 1 variant allele.
Comment: ALDH18A1: PM2, PP3